The following is an entry in ClinVar:

ClinVar aggregate classification (germline): Uncertain significance (1 of 4 stars; one submission).

Submission:

Labcorp Genetics (formerly Invitae), Labcorp
Classification: Uncertain significance. Last evaluated: 2023-01-26. Review status: criteria provided, single submitter. Criteria: Invitae Variant Classification Sherloc (09022015). Collection method: clinical testing. Allele origin: germline.
Comment: This sequence change replaces glycine, which is neutral and non-polar, with glutamic acid, which is acidic and polar, at codon 42 of the IKZF1 protein (p.Gly42Glu). This variant is not present in population databases (gnomAD no frequency). This variant has not been reported in the literature in individuals affected with IKZF1-related conditions. An algorithm developed to predict the effect of missense changes on protein structure and function (PolyPhen-2) suggests that this variant is likely to be tolerated. In summary, the available evidence is currently insufficient to determine the role of this variant in disease. Therefore, it has been classified as a Variant of Uncertain Significance.

NM_006060.6(IKZF1):c.125G>A (p.Gly42Glu)

Gene: IKZF1 (IKAROS family zinc finger 1; plus strand). Cytogenetic location: 7p12.2.
Variant type: single nucleotide variant.
Coding change: c.125G>A on transcript NM_006060.6 (MANE Select); coding-DNA position 125, G replaced by A.
Protein change: p.Gly42Glu; replaces glycine 42 with glutamic acid.
Molecular consequence: missense variant.
Genome position (GRCh38, 1-based): chr7:50,327,722, G>A. VCF-style: chr7-50327722-G-A. GRCh37 (hg19) VCF-style: chr7-50367318-G-A.
Other names: c.125G>A, p.Gly42Glu (NM_001220765.3, NM_001220767.2, NM_001220768.2 and 14 more transcripts); short protein forms G42E.
Identifiers: ClinVar variation 2830581 (VCV002830581.3), dbSNP rs2536619095, ClinGen allele CA367569458.